The following is an entry in ClinVar:

NM_021961.6(TEAD1):c.261A>C (p.Arg87Ser)

Gene: TEAD1 (TEA domain transcription factor 1; plus strand). Cytogenetic location: 11p15.3.
Variant type: single nucleotide variant.
Coding change: c.261A>C on transcript NM_021961.6 (MANE Select); coding-DNA position 261, A replaced by C.
Protein change: p.Arg87Ser; replaces arginine 87 with serine.
Molecular consequence: missense variant.
Genome position (GRCh38, 1-based): chr11:12,862,308, A>C. VCF-style: chr11-12862308-A-C. GRCh37 (hg19) VCF-style: chr11-12883855-A-C.
Other names: short protein forms R87S.
Identifiers: ClinVar variation 2094833 (VCV002094833.4), dbSNP rs2494559707, ClinGen allele CA379707518.

ClinVar aggregate classification (germline): Uncertain significance (1 of 4 stars; one submission).

Submission:

Labcorp Genetics (formerly Invitae), Labcorp
Classification: Uncertain significance. Last evaluated: 2022-02-08. Review status: criteria provided, single submitter. Criteria: Invitae Variant Classification Sherloc (09022015). Collection method: clinical testing. Allele origin: germline.
Comment: This sequence change replaces arginine, which is basic and polar, with serine, which is neutral and polar, at codon 87 of the TEAD1 protein (p.Arg87Ser). This variant is not present in population databases (gnomAD no frequency). This variant has not been reported in the literature in individuals affected with TEAD1-related conditions. Algorithms developed to predict the effect of missense changes on protein structure and function (SIFT, PolyPhen-2, Align-GVGD) all suggest that this variant is likely to be disruptive. In summary, the available evidence is currently insufficient to determine the role of this variant in disease. Therefore, it has been classified as a Variant of Uncertain Significance.